The following is an entry in ClinVar:

NM_007129.5(ZIC2):c.1519_1539del (p.Gly507_Gly513del)

Gene: ZIC2 (Zic family zinc finger 2; plus strand). Cytogenetic location: 13q32.3.
Variant type: Deletion.
Coding change: c.1519_1539del on transcript NM_007129.5 (MANE Select); coding-DNA positions 1519 to 1539, 21 bases deleted (GGCGGCAGCTCTGGCGGGGGC).
Protein change: p.Gly507_Gly513del.
Molecular consequence: inframe deletion.
Genome position (GRCh38, 1-based): chr13:99,985,602-99,985,622, GGCGGCAGCTCTGGCGGGGGC deleted; deleting any 21 consecutive bases within chr13:99,985,593-99,985,622 gives the same sequence; the c. name uses the placement nearest the transcript's 3' end. VCF-style (leftmost placement, unchanged base first): chr13-99985592-CGGCGGGGGCGGCGGCAGCTCT-C. GRCh37 (hg19) VCF-style: chr13-100637846-CGGCGGGGGCGGCGGCAGCTCT-C.
Identifiers: ClinVar variation 2987724 (VCV002987724.3), dbSNP rs2053263239, ClinGen allele CA2113880290.

ClinVar aggregate classification (germline): Uncertain significance (1 of 4 stars; one submission).

Conditions:
Holoprosencephaly 5 (HPE5). Identifiers: Orphanet 2162, MedGen C1864827, MONDO:0012322, OMIM 609637.

Submission:

Labcorp Genetics (formerly Invitae), Labcorp
Classification: Uncertain significance for Holoprosencephaly 5. Last evaluated: 2023-11-04. Review status: criteria provided, single submitter. Criteria: Invitae Variant Classification Sherloc (09022015). Collection method: clinical testing. Allele origin: germline.
Comment: This variant, c.1519_1539del, results in the deletion of 7 amino acid(s) of the ZIC2 protein (p.Gly507_Gly513del), but otherwise preserves the integrity of the reading frame. The frequency data for this variant in the population databases is considered unreliable, as metrics indicate insufficient coverage at this position in the gnomAD database. This variant has not been reported in the literature in individuals affected with ZIC2-related conditions. Experimental studies and prediction algorithms are not available or were not evaluated, and the functional significance of this variant is currently unknown. In summary, the available evidence is currently insufficient to determine the role of this variant in disease. Therefore, it has been classified as a Variant of Uncertain Significance.